The following is an entry in ClinVar:

NM_016507.4(CDK12):c.65A>G (p.Gln22Arg)

Genes: CDK12 (cyclin dependent kinase 12; plus strand), LOC126862553 (CDK7 strongly-dependent group 2 enhancer GRCh37_chr17:37618166-37619365; plus strand). Cytogenetic location: 17q12.
Variant type: single nucleotide variant.
Coding change: c.65A>G on transcript NM_016507.4 (MANE Select); coding-DNA position 65, A replaced by G.
Protein change: p.Gln22Arg; replaces glutamine 22 with arginine.
Molecular consequence: missense variant.
Genome position (GRCh38, 1-based): chr17:39,462,136, A>G. VCF-style: chr17-39462136-A-G. GRCh37 (hg19) VCF-style: chr17-37618389-A-G.
Other names: c.65A>G, p.Gln22Arg (NM_015083.4); short protein forms Q22R.
Identifiers: ClinVar variation 5034096 (VCV005034096.1).

ClinVar aggregate classification (germline): Uncertain significance (1 of 4 stars; one submission).

Submission:

Ambry Genetics
Classification: Uncertain significance. Last evaluated: 2026-07-13. Review status: criteria provided, single submitter. Criteria: Ambry Variant Classification Scheme 2023. Collection method: clinical testing. Allele origin: germline.
Comment: The p.Q22R variant (also known as c.65A>G), located in coding exon 1 of the CDK12 gene, results from an A to G substitution at nucleotide position 65. The glutamine at codon 22 is replaced by arginine, an amino acid with highly similar properties. This amino acid position is conserved. In addition, this alteration is predicted to be tolerated by in silico analysis. Based on the available evidence, the clinical significance of this variant remains unclear.